The following is an entry in ClinVar:

ClinVar aggregate classification (germline): Uncertain significance. Review status: criteria provided, multiple submitters, no conflicts (2 of 4 stars). 2 submissions from 2 submitters: Uncertain significance (2). Last evaluated 2025-02-14.

Conditions:
Inborn genetic diseases. Identifiers: MedGen C0950123, MeSH D030342.
Fanconi anemia complementation group A (FANCA). Also called: FANCA-Related Fanconi Anemia; Fanconi anemia, group A. Identifiers: Orphanet 84, MedGen C3469521, MONDO:0009215, OMIM 227650.

Submissions (2):

Ambry Genetics
Classification: Uncertain significance for Inborn genetic diseases. Last evaluated: 2025-02-14. Review status: criteria provided, single submitter. Criteria: Ambry Variant Classification Scheme 2023. Collection method: clinical testing. Allele origin: germline.
Comment: The p.G1388S variant (also known as c.4162G>A), located in coding exon 41 of the FANCA gene, results from a G to A substitution at nucleotide position 4162. The glycine at codon 1388 is replaced by serine, an amino acid with similar properties. This amino acid position is conserved. In addition, this alteration is predicted to be tolerated by in silico analysis. Based on the available evidence, the clinical significance of this variant remains unclear.

Fulgent Genetics
Classification: Uncertain significance for Fanconi anemia complementation group A. Last evaluated: 2024-03-19. Review status: criteria provided, single submitter. Criteria: ACMG Guidelines, 2015. Collection method: clinical testing. Allele origin: germline.

NM_000135.4(FANCA):c.4162G>A (p.Gly1388Ser)

Genes: FANCA (FA complementation group A; minus strand), ZNF276 (zinc finger protein 276; plus strand). Cytogenetic location: 16q24.3.
Variant type: single nucleotide variant.
Coding change: c.4162G>A on transcript NM_000135.4 (MANE Select); coding-DNA position 4162, G replaced by A.
Protein change: p.Gly1388Ser; replaces glycine 1388 with serine.
Molecular consequence: missense variant. On other transcripts: 3 prime UTR variant (2), non-coding transcript variant (4).
Genome position (GRCh38, 1-based): chr16:89,739,138, C>T on the plus strand (G>A on the coding strand, the complement: FANCA is on the minus strand). VCF-style: chr16-89739138-C-T. GRCh37 (hg19) VCF-style: chr16-89805546-C-T.
Other names: c.4162G>A, p.Gly1388Ser (NM_001286167.3); c.*892C>T (NM_001113525.2, NM_152287.4); short protein forms G1388S.
Identifiers: ClinVar variation 3581437 (VCV003581437.2).